The following is an entry in ClinVar:

ClinVar aggregate classification (germline): Uncertain significance (1 of 4 stars; one submission).

Conditions:
Hereditary cancer-predisposing syndrome. Also called: Neoplastic Syndromes, Hereditary; Tumor predisposition; Hereditary Cancer Syndrome; Hereditary neoplastic syndrome. Identifiers: Orphanet 140162, MedGen C0027672, MeSH D009386, MONDO:0015356.

Allele frequency attached by ClinVar (database versions not stated): gnomAD exomes below 0.00001.
gnomAD v4.1: 1 of 1,614,196 alleles (0.000062%); highest among the groups gnomAD compares: Non-Finnish European, 0.000085%; no homozygotes.

Submission:

Ambry Genetics
Classification: Uncertain significance for Hereditary cancer-predisposing syndrome. Last evaluated: 2025-01-05. Review status: criteria provided, single submitter. Criteria: Ambry Variant Classification Scheme 2023. Collection method: clinical testing. Allele origin: germline.
Comment: The p.A220G variant (also known as c.659C>G), located in coding exon 5 of the CDK4 gene, results from a C to G substitution at nucleotide position 659. The alanine at codon 220 is replaced by glycine, an amino acid with similar properties. This amino acid position is well conserved in available vertebrate species. In addition, this alteration is predicted to be tolerated by in silico analysis. Since supporting evidence is limited at this time, the clinical significance of this alteration remains unclear.

NM_000075.4(CDK4):c.659C>G (p.Ala220Gly)

Genes: CDK4 (cyclin dependent kinase 4; minus strand), TSPAN31 (tetraspanin 31; plus strand). Cytogenetic location: 12q14.1.
Variant type: single nucleotide variant.
Coding change: c.659C>G on transcript NM_000075.4 (MANE Select); coding-DNA position 659, C replaced by G.
Protein change: p.Ala220Gly; replaces alanine 220 with glycine.
Molecular consequence: missense variant. On other transcripts: 3 prime UTR variant (3).
Genome position (GRCh38, 1-based): chr12:57,749,478, G>C on the plus strand (C>G on the coding strand, the complement: CDK4 is on the minus strand). VCF-style: chr12-57749478-G-C. GRCh37 (hg19) VCF-style: chr12-58143261-G-C.
Other names: c.*2188G>C (NM_001330168.2, NM_001330169.2, NM_005981.5); short protein forms A220G.
Identifiers: ClinVar variation 483306 (VCV000483306.6), dbSNP rs1555201127, ClinGen allele CA385544049.
Genomic context (GRCh38, chr12:57,749,478, plus strand): 5'-AATAGAAAATCTTTTTCTCCCATGTTGGTCACTTACTCAAAGATTTTGCCCAACTGGTCG[G>C]CTTCAGAGTTTCCACAGAAGAGAGGCCTAAGGTGAGAAGGGATATAAGGTAGCAGTCATT-3'
Protein context (NP_000066.1, residues 210-230): RKPLFCGNSE[Ala220Gly]DQLGKIFDLI